The following is an entry in ClinVar:

ClinVar aggregate classification (germline): Uncertain significance (1 of 4 stars; one submission).

Conditions:
Leigh syndrome (NULS). Also called: Leigh's necrotizing encephalopathy; Leigh's disease; Leigh Syndrome (mtDNA deletion); Leigh Disease; Subacute necrotizing encephalopathy; Necrotizing encephalopathy infantile subacute of Leigh. Identifiers: Orphanet 506, MedGen C2931891, MONDO:0009723, OMIM 256000.

Submission:

Wong Mito Lab, Molecular and Human Genetics, Baylor College of Medicine
Classification: Uncertain significance for Leigh syndrome. Last evaluated: 2019-10-17. Review status: criteria provided, single submitter. Criteria: Modified ACMG Guidelines (Unpublished). Collection method: clinical testing. Allele origin: germline.
Comment: The NC_012920.1:m.8060G>A (YP_003024029.1:p.Val159Ile) variant in MTCO2 gene is interpretated to be a Uncertain Significance variant based on the modified ACMG guidelines (unpublished). This variant meets the following evidence codes: PP6

NC_012920.1(MT-CO2):m.8060G>A

Gene: MT-CO2 (mitochondrially encoded cytochrome c oxidase II; plus strand).
Variant type: single nucleotide variant.
Genome position: chrM-8060-G-A.
Identifiers: ClinVar variation 692815 (VCV000692815.1), dbSNP rs1603221271, ClinGen allele CA414794845.
Genomic context (GRCh38, chrMT:8,060, plus strand): 5'-GACAATCGAGTAGTACTCCCGATTGAAGCCCCCATTCGTATAATAATTACATCACAAGAC[G>A]TCTTGCACTCATGAGCTGTCCCCACATTAGGCTTAAAAACAGATGCAATTCCCGGACGTC-3'